The following is an entry in ClinVar:

NM_000059.4(BRCA2):c.8355T>C (p.Pro2785=)

Gene: BRCA2 (BRCA2 DNA repair associated; plus strand). Cytogenetic location: 13q13.1.
Variant type: single nucleotide variant.
Coding change: c.8355T>C on transcript NM_000059.4 (MANE Select); coding-DNA position 8355, T replaced by C.
Protein change: p.Pro2785=; no amino-acid change (proline 2785 retained).
Molecular consequence: synonymous variant.
Genome position (GRCh38, 1-based): chr13:32,370,425, T>C. VCF-style: chr13-32370425-T-C. GRCh37 (hg19) VCF-style: chr13-32944562-T-C.
Identifiers: ClinVar variation 392268 (VCV000392268.20), dbSNP rs1057524419, ClinGen allele CA16606823.

ClinVar aggregate classification (germline): Conflicting classifications of pathogenicity. Review status: criteria provided, conflicting classifications (1 of 4 stars). 7 submissions from 7 submitters: Uncertain significance (1); Likely benign (5). 1 of the submissions does not count toward it. Last evaluated 2025-10-26.

Conditions:
BRCA2-related disorder. Also called: BRCA2-related condition; BRCA2-related disorders. Identifiers: MedGen CN239275.
Hereditary breast ovarian cancer syndrome. Also called: BRCA1- and BRCA2-Associated Hereditary Breast and Ovarian Cancer; Hereditary breast and ovarian cancer syndrome (HBOC); Hereditary breast and ovarian cancer; Breast and ovarian cancer; Hereditary breast and/or ovarian cancer syndrome; Hereditary breast and ovarian cancer syndrome. Identifiers: Orphanet 145, MedGen C0677776, MeSH D061325, MONDO:0003582. Disease mechanism: loss of function.
Hereditary cancer-predisposing syndrome. Also called: Neoplastic Syndromes, Hereditary; Hereditary Cancer Syndrome; Tumor predisposition; Hereditary neoplastic syndrome. Identifiers: Orphanet 140162, MedGen C0027672, MeSH D009386, MONDO:0015356.

Allele frequency attached by ClinVar (database versions not stated): gnomAD exomes 0.00001.
gnomAD v4.1: 9 of 1,613,932 alleles (0.00056%); highest among the groups gnomAD compares: Non-Finnish European, 0.00059%; no homozygotes.

Submissions (7):

Women's Health and Genetics/Laboratory Corporation of America, LabCorp
Classification: Likely benign. Last evaluated: 2025-10-26. Review status: criteria provided, single submitter. Criteria: LabCorp Variant Classification Summary - May 2015. Collection method: clinical testing. Allele origin: germline.

Labcorp Genetics (formerly Invitae), Labcorp
Classification: Likely benign for Hereditary breast ovarian cancer syndrome. Last evaluated: 2025-04-17. Review status: criteria provided, single submitter. Criteria: Invitae Variant Classification Sherloc (09022015). Collection method: clinical testing. Allele origin: germline.

Ambry Genetics
Classification: Likely benign for Hereditary cancer-predisposing syndrome. Last evaluated: 2023-03-08. Review status: criteria provided, single submitter. Criteria: Ambry Variant Classification Scheme 2023. Collection method: clinical testing. Allele origin: germline.

Color Diagnostics, LLC DBA Color Health
Classification: Likely benign for Hereditary cancer-predisposing syndrome. Last evaluated: 2017-06-19. Review status: criteria provided, single submitter. Criteria: ACMG Guidelines, 2015. Collection method: clinical testing. Allele origin: germline.

Genetic Services Laboratory, University of Chicago
Classification: Uncertain significance. Last evaluated: 2017-04-07. Review status: criteria provided, single submitter. Criteria: ACMG Guidelines, 2015. Collection method: clinical testing. Allele origin: germline. Affected: no.

GeneDx
Classification: Likely benign. Last evaluated: 2016-12-20. Review status: criteria provided, single submitter. Criteria: GeneDx Variant Classification (06012015). Collection method: clinical testing. Allele origin: germline. Affected: yes.
Comment: This variant is considered likely benign or benign based on one or more of the following criteria: it is a conservative change, it occurs at a poorly conserved position in the protein, it is predicted to be benign by multiple in silico algorithms, and/or has population frequency not consistent with disease.

PreventionGenetics, part of Exact Sciences
Classification: Likely benign for BRCA2-related condition. Last evaluated: 2023-08-03. Review status: no assertion criteria provided. Collection method: clinical testing. Allele origin: germline. Not counted in ClinVar's aggregate classification.
Comment: This variant is classified as likely benign based on ACMG/AMP sequence variant interpretation guidelines (Richards et al. 2015 PMID: 25741868, with internal and published modifications).